The following is an entry in ClinVar:

ClinVar aggregate classification (germline): Uncertain significance (1 of 4 stars; one submission).

Submission:

Labcorp Genetics (formerly Invitae), Labcorp
Classification: Uncertain significance. Last evaluated: 2022-07-27. Review status: criteria provided, single submitter. Criteria: Invitae Variant Classification Sherloc (09022015). Collection method: clinical testing. Allele origin: germline.
Comment: This sequence change replaces valine, which is neutral and non-polar, with phenylalanine, which is neutral and non-polar, at codon 5 of the MMP13 protein (p.Val5Phe). This variant is not present in population databases (gnomAD no frequency). This variant has not been reported in the literature in individuals affected with MMP13-related conditions. Algorithms developed to predict the effect of missense changes on protein structure and function output the following: SIFT: "Tolerated"; PolyPhen-2: "Benign"; Align-GVGD: "Class C0". The phenylalanine amino acid residue is found in multiple mammalian species, which suggests that this missense change does not adversely affect protein function. In summary, the available evidence is currently insufficient to determine the role of this variant in disease. Therefore, it has been classified as a Variant of Uncertain Significance.

NM_002427.4(MMP13):c.13G>T (p.Val5Phe)

Genes: MMP13 (matrix metallopeptidase 13; minus strand), LOC126861318 (BRD4-independent group 4 enhancer GRCh37_chr11:102825894-102827093; plus strand). Cytogenetic location: 11q22.2.
Variant type: single nucleotide variant.
Coding change: c.13G>T on transcript NM_002427.4 (MANE Select); coding-DNA position 13, G replaced by T.
Protein change: p.Val5Phe; replaces valine 5 with phenylalanine.
Molecular consequence: missense variant.
Genome position (GRCh38, 1-based): chr11:102,955,693, C>A on the plus strand (G>T on the coding strand, the complement: MMP13 is on the minus strand). VCF-style: chr11-102955693-C-A. GRCh37 (hg19) VCF-style: chr11-102826422-C-A.
Other names: short protein forms V5F.
Identifiers: ClinVar variation 2183837 (VCV002183837.4), dbSNP rs955335932, ClinGen allele CA227377160.